The following continues an entry in ClinVar:

NM_000018.4(ACADVL):c.1153C>T (p.Arg385Trp)

Gene: ACADVL. ClinVar aggregate classification (germline): Likely pathogenic. Likely pathogenic (1).

Submissions 8 to 14 of 14:

GeneDx
Classification: Uncertain significance. Last evaluated: 2020-09-10. Review status: criteria provided, single submitter. Criteria: GeneDx Variant Classification Process June 2021. Collection method: clinical testing. Allele origin: germline. Affected: yes. Not counted in ClinVar's aggregate classification.
Comment: Reported previously in the presence of a second ACADVL variant in two individuals with abnormal newborn screen results who were not reported to be affected (Boneh et al., 2006; Merinero et al., 2017); Reported in the presence of a second ACADVL variant in an individual with mild intellectual disability and sporadic choreo-athetoid movements, who also complained of recurrent episodes of rhabdomyolysis triggered by exercise. In silico analysis supports that this missense variant has a deleterious effect on protein structure/function; This variant is associated with the following publications: (PMID: 15210884, 32655480, 23798014, 26385305, 25655073, 27246109, 16488171, 28755359)

Wong Mito Lab, Molecular and Human Genetics, Baylor College of Medicine
Classification: Pathogenic for Very long chain acyl-CoA dehydrogenase deficiency. Last evaluated: 2019-11-01. Review status: criteria provided, single submitter. Criteria: ACMG Guidelines, 2015. Collection method: clinical testing. Allele origin: germline. Not counted in ClinVar's aggregate classification.
Comment: The NM_000018.3:c.1153C>T (NP_000009.1:p.Arg385Trp) [GRCH38: NC_000017.11:g.7223208C>T] variant in ACADVL gene is interpretated to be Pathogenic based on ACMG guidelines (PMID: 25741868). This variant has been reported in PMID: 15210884. This variant meets the following evidence codes reported in the ACMG guidelines: PS1, PS3

Illumina Laboratory Services, Illumina
Classification: Likely pathogenic for Very long chain acyl-CoA dehydrogenase deficiency. Last evaluated: 2018-11-20. Review status: criteria provided, single submitter. Criteria: ICSL Variant Classification Criteria 09 May 2019. Collection method: clinical testing. Allele origin: germline. Not counted in ClinVar's aggregate classification.
Comment: The ACADVL c.1156C>T (p.Arg385Trp) is a missense variant that has been reported in at least five studies and found in at least five individuals with VLCAD deficiency, including a sibling pair, in a compound heterozygous state with a unique missense variant in each case (Boneh et al. 2006; Wasibren et al. 2013; Yamamoto et al. 2015; Evans et al. 2016; Merinero et al. 2017). This variant was inherited from the unaffected mother in a heterozygous state (Merinero et al. 2017) and is reported at a frequency of 0.000208 in the Latino population of the Genome Aggregation Database. Based on the collective evidence, the p.Arg386Cys variant is classified as likely pathogenic for VLCAD deficiency. This variant was observed by ICSL as part of a predisposition screen in an ostensibly healthy population.

Eurofins Ntd Llc (ga)
Classification: Uncertain significance. Last evaluated: 2015-04-23. Review status: criteria provided, single submitter. Criteria: EGL Classification Definitions 2015. Collection method: clinical testing. Allele origin: germline. Observed: 1 variant allele, 1 heterozygote. Not counted in ClinVar's aggregate classification.

Clinical Genetics Service, Universitary Hospital 12 de Octubre
Classification: Pathogenic for Very long chain acyl-CoA dehydrogenase deficiency. Review status: criteria provided, single submitter. Criteria: ACMG Guidelines, 2015. Collection method: clinical testing. Allele origin: maternal. Affected: yes. Not counted in ClinVar's aggregate classification.

PreventionGenetics, part of Exact Sciences
Classification: Pathogenic for ACADVL-related condition. Last evaluated: 2023-12-20. Review status: no assertion criteria provided. Collection method: clinical testing. Allele origin: germline. Not counted in ClinVar's aggregate classification.
Comment: The ACADVL c.1153C>T variant is predicted to result in the amino acid substitution p.Arg385Trp. This variant has been reported in the compound heterozygous or homozygous states in individuals with very long chain acyl-CoA dehydrogenase deficiency (see, for example, Ohashi et al. 2004. PubMed ID: 15210884; Merinero et al. 2017. PubMed ID: 28755359; Chen et al. 2020. PubMed ID: 33150772). In vitro experimental studies suggest this variant impacts protein function (Ohashi et al. 2004. PubMed ID: 15210884; Chen et al. 2020. PubMed ID: 33150772). This variant is reported in 0.020% of alleles in individuals of Latino descent in a large population database. This variant is interpreted as pathogenic.

Counsyl
Classification: Uncertain significance for Very long chain acyl-CoA dehydrogenase deficiency. Last evaluated: 2017-08-18. Review status: no assertion criteria provided. Collection method: clinical testing. Allele origin: unknown. Not counted in ClinVar's aggregate classification.

Literature cited by the submitters: PubMed 23798014 (cited by Labcorp Genetics (formerly Invitae), Labcorp and Counsyl); PubMed 25655073 (cited by Labcorp Genetics (formerly Invitae), Labcorp and Illumina Laboratory Services, Illumina); PubMed 28755359 (cited by 3 submitters); PubMed 32655480 (cited by Labcorp Genetics (formerly Invitae), Labcorp and Women's Health and Genetics/Laboratory Corporation of America, LabCorp); PubMed 15210884 (cited by 4 submitters); PubMed 35400565 (cited by Natera, Inc.); PubMed 33150772 (cited by Women's Health and Genetics/Laboratory Corporation of America, LabCorp); PubMed 16488171 (cited by Illumina Laboratory Services, Illumina and Eurofins Ntd Llc (ga)); PubMed 27246109 (cited by Illumina Laboratory Services, Illumina); PubMed 26385305 (cited by Counsyl).